The following is an entry in ClinVar:

NM_000297.4(PKD2):c.2118+2T>C

Gene: PKD2 (polycystin 2, transient receptor potential cation channel; plus strand). Cytogenetic location: 4q22.1.
Variant type: single nucleotide variant.
Coding change: c.2118+2T>C on transcript NM_000297.4 (MANE Select); the canonical splice donor site of the intron after coding-DNA position 2118, T replaced by C.
Molecular consequence: splice donor variant.
Genome position (GRCh38, 1-based): chr4:88,062,006, T>C. VCF-style: chr4-88062006-T-C. GRCh37 (hg19) VCF-style: chr4-88983158-T-C.
Identifiers: ClinVar variation 2754079 (VCV002754079.3), dbSNP rs2475970459, ClinGen allele CA357623906.

ClinVar aggregate classification (germline): Likely pathogenic (1 of 4 stars; one submission).

Conditions:
Autosomal dominant polycystic kidney disease. Identifiers: Orphanet 730, MedGen C0085413, MONDO:0004691.

Submission:

Labcorp Genetics (formerly Invitae), Labcorp
Classification: Likely pathogenic for Autosomal dominant polycystic kidney disease. Last evaluated: 2023-08-19. Review status: criteria provided, single submitter. Criteria: Invitae Variant Classification Sherloc (09022015). Collection method: clinical testing. Allele origin: germline.
Comment: This sequence change affects a donor splice site in intron 10 of the PKD2 gene. It is expected to disrupt RNA splicing. Variants that disrupt the donor or acceptor splice site typically lead to a loss of protein function (PMID: 16199547), and loss-of-function variants in PKD2 are known to be pathogenic (PMID: 17582161, 22863349). This variant is not present in population databases (gnomAD no frequency). This variant has not been reported in the literature in individuals affected with PKD2-related conditions. Algorithms developed to predict the effect of sequence changes on RNA splicing suggest that this variant may disrupt the consensus splice site. In summary, the currently available evidence indicates that the variant is pathogenic, but additional data are needed to prove that conclusively. Therefore, this variant has been classified as Likely Pathogenic.

Literature cited by the submitters: PubMed 16199547; PubMed 17582161; PubMed 22863349.